The following is an entry in ClinVar:

NM_005359.6(SMAD4):c.1201dup (p.Cys401fs)

Gene: SMAD4 (SMAD family member 4; plus strand). Cytogenetic location: 18q21.2.
Variant type: Duplication.
Coding change: c.1201dup on transcript NM_005359.6 (MANE Select); coding-DNA position 1201, one base duplicated (T; older notation c.1201dupT).
Protein change: p.Cys401fs; shifts the reading frame from cysteine 401.
Molecular consequence: frameshift variant.
Genome position (GRCh38, 1-based): chr18:51,067,080, T duplicated. VCF-style (leftmost placement, unchanged base first): chr18-51067079-G-GT. GRCh37 (hg19) VCF-style: chr18-48593449-G-GT.
Other names: c.1201dupT (NM_005359.5); short protein forms C401fs.
Identifiers: ClinVar variation 486983 (VCV000486983.10), dbSNP rs1555686604, ClinGen allele CA658658749.

ClinVar aggregate classification (germline): Pathogenic. Review status: criteria provided, multiple submitters, no conflicts (2 of 4 stars). 2 submissions from 2 submitters: Pathogenic (2). Last evaluated 2022-10-03.

Conditions:
Hereditary cancer-predisposing syndrome. Also called: Tumor predisposition; Neoplastic Syndromes, Hereditary; Hereditary Cancer Syndrome; Hereditary neoplastic syndrome. Identifiers: Orphanet 140162, MedGen C0027672, MeSH D009386, MONDO:0015356.
Familial thoracic aortic aneurysm and aortic dissection (TAAD). Also called: Thoracic aortic aneurysms and dissections. Identifiers: Orphanet 91387, MedGen C4707243, MONDO:0019625.
Juvenile polyposis syndrome (JPS). Identifiers: Orphanet 2929, MedGen C0345893, MONDO:0017380, OMIM 174900.

Submissions (2):

Labcorp Genetics (formerly Invitae), Labcorp
Classification: Pathogenic for Juvenile polyposis syndrome. Last evaluated: 2022-10-03. Review status: criteria provided, single submitter. Criteria: Invitae Variant Classification Sherloc (09022015). Collection method: clinical testing. Allele origin: germline.
Comment: This sequence change creates a premature translational stop signal (p.Cys401Leufs*3) in the SMAD4 gene. It is expected to result in an absent or disrupted protein product. Loss-of-function variants in SMAD4 are known to be pathogenic (PMID: 16152648, 16436638, 22810475). This variant is not present in population databases (gnomAD no frequency). This variant has not been reported in the literature in individuals affected with SMAD4-related conditions. ClinVar contains an entry for this variant (Variation ID: 486983). For these reasons, this variant has been classified as Pathogenic.

Ambry Genetics
Classification: Pathogenic for Hereditary cancer-predisposing syndrome; Familial thoracic aortic aneurysm and aortic dissection. Last evaluated: 2016-04-17. Review status: criteria provided, single submitter. Criteria: Ambry Variant Classification Scheme 2023. Collection method: clinical testing. Allele origin: germline.
Comment: The c.1201dupT pathogenic mutation, located in coding exon 9 of the SMAD4 gene, results from a duplication of T at nucleotide position 1201, causing a translational frameshift with a predicted alternate stop codon (p.C401Lfs*3). This alteration is expected to result in loss of function by premature protein truncation or nonsense-mediated mRNA decay. As such, this alteration is interpreted as a disease-causing mutation.

Literature cited by the submitters: PubMed 16152648 (cited by Labcorp Genetics (formerly Invitae), Labcorp); PubMed 16436638 (cited by Labcorp Genetics (formerly Invitae), Labcorp); PubMed 22810475 (cited by Labcorp Genetics (formerly Invitae), Labcorp).